The following is an entry in ClinVar:

NM_144670.6(A2ML1):c.619G>T (p.Gly207Cys)

Gene: A2ML1 (alpha-2-macroglobulin like 1; plus strand). Cytogenetic location: 12p13.31.
Variant type: single nucleotide variant.
Coding change: c.619G>T on transcript NM_144670.6 (MANE Select); coding-DNA position 619, G replaced by T.
Protein change: p.Gly207Cys; replaces glycine 207 with cysteine.
Molecular consequence: missense variant.
Genome position (GRCh38, 1-based): chr12:8,835,642, G>T. VCF-style: chr12-8835642-G-T. GRCh37 (hg19) VCF-style: chr12-8988238-G-T.
Other names: c.619G>T (NM_144670.3); short protein forms G207C.
Identifiers: ClinVar variation 697124 (VCV000697124.14), dbSNP rs11047499, ClinGen allele CA6435369.

ClinVar aggregate classification (germline): Conflicting classifications of pathogenicity. Review status: criteria provided, conflicting classifications (1 of 4 stars). 4 submissions from 4 submitters: Uncertain significance (1); Likely benign (3). Last evaluated 2026-01-28.

Allele frequency attached by ClinVar (database versions not stated): 1000 Genomes Project 30x 0.00109.
gnomAD v4.1: 179 of 1,614,088 alleles (0.011%); highest among the groups gnomAD compares: African/African-American, 0.22%; no homozygotes.

Submissions (4):

Labcorp Genetics (formerly Invitae), Labcorp
Classification: Likely benign. Last evaluated: 2026-01-28. Review status: criteria provided, single submitter. Criteria: Invitae Variant Classification Sherloc (09022015). Collection method: clinical testing. Allele origin: germline.

Ambry Genetics
Classification: Uncertain significance. Last evaluated: 2025-11-26. Review status: criteria provided, single submitter. Criteria: Ambry Variant Classification Scheme 2023. Collection method: clinical testing. Allele origin: germline.

Blueprint Genetics
Classification: Likely benign. Last evaluated: 2022-08-31. Review status: criteria provided, single submitter. Criteria: ACMG Guidelines, 2015. Collection method: clinical testing. Allele origin: germline.

Women's Health and Genetics/Laboratory Corporation of America, LabCorp
Classification: Likely benign. Last evaluated: 2021-02-08. Review status: criteria provided, single submitter. Criteria: LabCorp Variant Classification Summary - May 2015. Collection method: clinical testing. Allele origin: germline.
Comment: Variant summary: A2ML1 c.619G>T (p.Gly207Cys) results in a non-conservative amino acid change in the encoded protein sequence. Two of four in-silico tools predict a benign effect of the variant on protein function. The variant allele was found at a frequency of 0.0002 in 280800 control chromosomes, predominantly at a frequency of 0.0022 within the African or African-American subpopulation in the gnomAD database. The observed variant frequency within African or African-American control individuals in the gnomAD database is approximately 550 fold of the estimated maximal expected allele frequency for a pathogenic variant in A2ML1 causing Noonan Syndrome phenotype (4e-06), strongly suggesting that the variant is a benign polymorphism found primarily in populations of African or African-American origin. To our knowledge, no occurrence of c.619G>T in individuals affected with Noonan Syndrome and no experimental evidence demonstrating its impact on protein function have been reported. One ClinVar submitter (evaluation after 2014) cite the variant as likely benign. Based on the evidence outlined above, the variant was classified as likely benign.